The following is an entry in ClinVar:

NM_002485.5(NBN):c.1872_1873dup (p.Glu625fs)

Genes: NBN (nibrin; minus strand), LOC126860438 (MED14-independent group 3 enhancer GRCh37_chr8:90959982-90961181; plus strand). Cytogenetic location: 8q21.3.
Variant type: Duplication.
Coding change: c.1872_1873dup on transcript NM_002485.5 (MANE Select); coding-DNA positions 1872 to 1873, 2 bases duplicated (TG; older notation c.1872_1873dupTG).
Protein change: p.Glu625fs; shifts the reading frame from glutamic acid 625.
Molecular consequence: frameshift variant.
Genome position (GRCh38, 1-based): chr8:89,947,865-89,947,866, CA duplicated on the plus strand (TG on the coding strand, the reverse complement: NBN is on the minus strand); duplicating any 2 consecutive bases within chr8:89,947,865-89,947,867 gives the same sequence; the c. name uses the placement nearest the transcript's 3' end. VCF-style (leftmost placement, unchanged base first): chr8-89947864-T-TCA. GRCh37 (hg19) VCF-style: chr8-90960092-T-TCA.
Other names: c.1872_1873dup (NM_002485.4); c.1626_1627dup, p.Glu543fs (NM_001024688.3); short protein forms E543fs, E625fs.
Identifiers: ClinVar variation 2676965 (VCV002676965.3), dbSNP rs2488209630, ClinGen allele CA2687854206.

ClinVar aggregate classification (germline): Likely pathogenic. Review status: criteria provided, multiple submitters, no conflicts (2 of 4 stars). 2 submissions from 2 submitters: Likely pathogenic (2). Last evaluated 2025-03-26.

Conditions:
Aplastic anemia. Identifiers: Orphanet 182040, Orphanet 88, MedGen C0002874, MONDO:0015909, OMIM 609135, HP:0001915.
Microcephaly, normal intelligence and immunodeficiency (NBS). Also called: IMMUNODEFICIENCY, MICROCEPHALY, AND CHROMOSOMAL INSTABILITY; SEEMANOVA SYNDROME II; Nijmegen breakage syndrome; Microcephaly with normal intelligence immunodeficiency and lymphoreticular malignancies; Nonsyndromal microcephaly autosomal recessive with normal intelligence; Seemanova syndrome 2. Identifiers: Orphanet 647, MedGen C0398791, MONDO:0009623, OMIM 251260.

Submissions (2):

Natera, Inc.
Classification: Likely pathogenic for Nijmegen breakage syndrome. Last evaluated: 2025-03-26. Review status: criteria provided, single submitter. Criteria: Natera Variant Classification Schema (03/2026). Collection method: clinical testing. Allele origin: germline.
Comment: The c.1872_1873dup variant in NBN is a frameshift variant predicted to shift the reading frame beginning at codon 625 and leads to a stop codon 33 codons downstream. This variant is expected to result in nonsense mediated decay, truncation, or a dysfunctional protein product. This variant is rare in the general population with a frequency below the threshold expected for the associated phenotype(s). Given the available evidence, this variant is classified as Likely Pathogenic.

Baylor Genetics
Classification: Likely pathogenic for Aplastic anemia. Last evaluated: 2022-03-28. Review status: criteria provided, single submitter. Criteria: ACMG Guidelines, 2015. Collection method: clinical testing. Allele origin: unknown.